The following is an entry in ClinVar:

NM_138295.5(PKD1L1):c.5835G>T (p.Arg1945Ser)

Gene: PKD1L1 (polycystin 1 like 1, transient receptor potential channel interacting; minus strand). Cytogenetic location: 7p12.3.
Variant type: single nucleotide variant.
Coding change: c.5835G>T on transcript NM_138295.5 (MANE Select); coding-DNA position 5835, G replaced by T.
Protein change: p.Arg1945Ser; replaces arginine 1945 with serine.
Molecular consequence: missense variant.
Genome position (GRCh38, 1-based): chr7:47,837,029, C>A on the plus strand (G>T on the coding strand, the complement: PKD1L1 is on the minus strand). VCF-style: chr7-47837029-C-A. GRCh37 (hg19) VCF-style: chr7-47876627-C-A.
Other names: short protein forms R1945S.
Identifiers: ClinVar variation 2630339 (VCV002630339.2), dbSNP rs750308211, ClinGen allele CA367483948.
Genomic context (GRCh38, chr7:47,837,029, plus strand): 5'-GCACAGCAGGGAGAAGGACACGGTGAGGCGCGGCGTGTGCAGGTAGCGGCTGGAGGAGGG[C>A]CTGCTGTACACCGACAGCCAGACATGGAAATCCTCCAGGTACTCTGTGAACTTGCAATAG-3'
Protein context (NP_612152.1, residues 1935-1955): DFHVWLSVYS[Arg1945Ser]PSSSRYLHTP

ClinVar aggregate classification (germline): Uncertain significance. Review status: criteria provided, multiple submitters, no conflicts (2 of 4 stars). 2 submissions from 2 submitters: Uncertain significance (2). Last evaluated 2024-11-09.

Conditions:
Inborn genetic diseases. Identifiers: MedGen C0950123, MeSH D030342.
PKD1L1-related disorder. Also called: PKD1L1-related condition.

Submissions (2):

Ambry Genetics
Classification: Uncertain significance for Inborn genetic diseases. Last evaluated: 2024-11-09. Review status: criteria provided, single submitter. Criteria: Ambry Variant Classification Scheme 2023. Collection method: clinical testing. Allele origin: germline.

PreventionGenetics, part of Exact Sciences
Classification: Uncertain significance for PKD1L1-related condition. Last evaluated: 2023-02-07. Review status: criteria provided, single submitter. Criteria: ACMG Guidelines, 2015. Collection method: clinical testing. Allele origin: germline.
Comment: The PKD1L1 c.5835G>T variant is predicted to result in the amino acid substitution p.Arg1945Ser. To our knowledge, this variant has not been reported in the literature or in a large population database, indicating this variant is rare. At this time, the clinical significance of this variant is uncertain due to the absence of conclusive functional and genetic evidence.